The following is an entry in ClinVar:

ClinVar aggregate classification (germline): Likely benign. Review status: criteria provided, multiple submitters, no conflicts (2 of 4 stars). 2 submissions from 2 submitters: Likely benign (2). Last evaluated 2024-11-01.

Submissions (2):

CeGaT Center for Human Genetics Tuebingen
Classification: Likely benign. Last evaluated: 2024-11-01. Review status: criteria provided, single submitter. Criteria: CeGaT Center For Human Genetics Tuebingen Variant Classification Criteria Version 2. Collection method: clinical testing. Allele origin: germline. Affected: yes. Observed: 1 variant allele.
Comment: FCGR3A: BP4, BS1

Blueprint Genetics
Classification: Likely benign. Last evaluated: 2024-09-04. Review status: criteria provided, single submitter. Criteria: ACMG Guidelines, 2015. Collection method: clinical testing. Allele origin: germline.

NM_000569.8(FCGR3A):c.233C>A (p.Ala78Asp)

Gene: FCGR3A (Fc gamma receptor IIIa; minus strand). Cytogenetic location: 1q23.3.
Variant type: single nucleotide variant.
Coding change: c.233C>A on transcript NM_000569.8 (MANE Select); coding-DNA position 233, C replaced by A.
Protein change: p.Ala78Asp; replaces alanine 78 with aspartic acid.
Molecular consequence: missense variant.
Genome position (GRCh38, 1-based): chr1:161,548,507, G>T on the plus strand (C>A on the coding strand, the complement: FCGR3A is on the minus strand). VCF-style: chr1-161548507-G-T. GRCh37 (hg19) VCF-style: chr1-161518297-G-T.
Other names: c.545C>A, p.Ala182Asp (NM_001127592.2); c.233C>A, p.Ala78Asp (NM_001127593.1, NM_001127595.2, NM_001329120.2); c.230C>A, p.Ala77Asp (NM_001127596.2, NM_001386450.1); c.548C>A, p.Ala183Asp (NM_001329122.1); short protein forms A182D, A183D, A77D, A78D.
Identifiers: ClinVar variation 3387944 (VCV003387944.15).